The following is an entry in ClinVar:

ClinVar aggregate classification (germline): Likely pathogenic (1 of 4 stars; one submission).

Conditions:
Familial thoracic aortic aneurysm and aortic dissection (TAAD). Also called: Thoracic aortic aneurysms and dissections. Identifiers: Orphanet 91387, MedGen C4707243, MONDO:0019625.

Submission:

Ambry Genetics
Classification: Likely pathogenic for Familial thoracic aortic aneurysm and aortic dissection. Last evaluated: 2024-11-23. Review status: criteria provided, single submitter. Criteria: Ambry Variant Classification Scheme 2023. Collection method: clinical testing. Allele origin: germline.
Comment: The p.G1226R variant (also known as c.3676G>A), located in coding exon 29 of the FBN1 gene, results from a G to A substitution at nucleotide position 3676. The glycine at codon 1226 is replaced by arginine, an amino acid with dissimilar properties. Other variant(s) at the same codon, p.G1226V (c.3677G>T), have been identified in individual(s) with features consistent with Marfan syndrome (Maeda J et al. Heart Vessels, 2016 Oct;31:1717-23; Topyldz E et al. Turk J Pediatr, 2023;65:338-343). This variant is considered to be rare based on population cohorts in the Genome Aggregation Database (gnomAD). This amino acid position is highly conserved in available vertebrate species. In addition, this alteration is predicted to be deleterious by in silico analysis. Based on the majority of available evidence to date, this variant is likely to be pathogenic.

NM_000138.5(FBN1):c.3676G>A (p.Gly1226Arg)

Gene: FBN1 (fibrillin 1; minus strand). Cytogenetic location: 15q21.1.
Variant type: single nucleotide variant.
Coding change: c.3676G>A on transcript NM_000138.5 (MANE Select); coding-DNA position 3676, G replaced by A.
Protein change: p.Gly1226Arg; replaces glycine 1226 with arginine.
Molecular consequence: missense variant.
Genome position (GRCh38, 1-based): chr15:48,485,410, C>T on the plus strand (G>A on the coding strand, the complement: FBN1 is on the minus strand). VCF-style: chr15-48485410-C-T. GRCh37 (hg19) VCF-style: chr15-48777607-C-T.
Other names: c.3676G>A, p.Gly1226Arg (NM_001406716.1); short protein forms G1226R.
Identifiers: ClinVar variation 3513579 (VCV003513579.1).